The following is an entry in ClinVar:

NM_013335.4(GMPPA):c.210del (p.Ala71fs)

Genes: ASIC4-AS1 (ASIC4 antisense RNA 1; minus strand), GMPPA (GDP-mannose pyrophosphorylase A; plus strand). Cytogenetic location: 2q35.
Variant type: Deletion.
Coding change: c.210del on transcript NM_013335.4 (MANE Select); coding-DNA position 210, one base deleted (A; older notation c.210delA).
Protein change: p.Ala71fs; shifts the reading frame from alanine 71.
Molecular consequence: frameshift variant.
Genome position (GRCh38, 1-based): chr2:219,501,547, A deleted; the last of 2 consecutive A bases (chr2:219,501,546-219,501,547); deleting either gives the same sequence. VCF-style (leftmost placement, unchanged base first): chr2-219501545-GA-G. GRCh37 (hg19) VCF-style: chr2-220366267-GA-G.
Other names: c.210del, p.Ala71fs (NM_205847.3); c.210del (NM_205847.2); short protein forms A71fs.
Identifiers: ClinVar variation 88694 (VCV000088694.7), dbSNP rs886037654, ClinGen allele CA10575617.

ClinVar aggregate classification (germline): Pathogenic. Review status: criteria provided, multiple submitters, no conflicts (2 of 4 stars). 3 submissions from 3 submitters: Pathogenic (2). 1 of the submissions does not count toward it. Last evaluated 2023-01-24.

Conditions:
Alacrima, achalasia, and impaired intellectual development syndrome. Also called: Alacrima, achalasia, and mental retardation syndrome; Alacrima, achalasia, and intellectual disability syndrome. Identifiers: Orphanet 869, MedGen C4706563, MONDO:0014219, OMIM 615510.
Chromosomal instability with tissue-specific radiosensitivity. Identifiers: MedGen C1859091, MONDO:0008983, OMIM 215510.

Submissions (3):

GeneDx
Classification: Pathogenic. Last evaluated: 2023-01-24. Review status: criteria provided, single submitter. Criteria: GeneDx Variant Classification Process June 2021. Collection method: clinical testing. Allele origin: germline. Affected: yes.
Comment: Frameshift variant predicted to result in protein truncation or nonsense mediated decay in a gene for which loss of function is a known mechanism of disease; Not observed at significant frequency in large population cohorts (gnomAD); This variant is associated with the following publications: (PMID: 24035193)

New York Genome Center
Classification: Pathogenic for Chromosomal instability with tissue-specific radiosensitivity. Last evaluated: 2020-01-22. Review status: criteria provided, single submitter. Criteria: NYGC Assertion Criteria 2020. Collection method: clinical testing. Allele origin: inherited. Affected: yes. Observed: 1 homozygote. Study: CSER-NYCKidSeq.
Comment: The c.210del, p.Ala71ProfsTer19 is a frameshift variant in GMPPA gene and has been reported in a patient with Alacrima, achalasia, and mental retardation syndrome [MIM#615510] [PMID: 24035193]. This variant is not reported in gnomAD database, indicating this is a rare allele. The detected variant causes a 1 bp deletion at amino acid 71, which is predicted to cause a frameshift and premature stop further downstream and in silico tool predicts the variant is expected to result in an absent protein product through nonsense-mediated mRNA decay [PMID: 24681721]. Based on the available evidence, the variant c.210del,p.Ala71ProfsTer19 in the GMPPA gene is classified as pathogenic.

OMIM
Classification: Pathogenic for ALACRIMA, ACHALASIA, AND IMPAIRED INTELLECTUAL DEVELOPMENT SYNDROME. Last evaluated: 2013-10-03. Review status: no assertion criteria provided. Collection method: literature only. Allele origin: germline. Not counted in ClinVar's aggregate classification.

Literature cited by the submitters: PubMed 24035193 (cited by OMIM).